The following is an entry in ClinVar:

ClinVar aggregate classification (germline): Likely benign (1 of 4 stars; one submission).

Submission:

CeGaT Center for Human Genetics Tuebingen
Classification: Likely benign. Last evaluated: 2025-11-01. Review status: criteria provided, single submitter. Criteria: CeGaT Center For Human Genetics Tuebingen Variant Classification Criteria Version 2. Collection method: clinical testing. Allele origin: germline. Affected: yes. Observed: 1 variant allele.
Comment: CACNA1A: PM2:Supporting, BP4, BP7

NM_001127222.2(CACNA1A):c.3855C>G (p.Gly1285=)

Gene: CACNA1A (calcium voltage-gated channel subunit alpha1 A; minus strand). Cytogenetic location: 19p13.13.
Variant type: single nucleotide variant.
Coding change: c.3855C>G on transcript NM_001127222.2 (MANE Select); coding-DNA position 3855, C replaced by G.
Protein change: p.Gly1285=; no amino-acid change (glycine 1285 retained).
Molecular consequence: synonymous variant.
Genome position (GRCh38, 1-based): chr19:13,277,096, G>C on the plus strand (C>G on the coding strand, the complement: CACNA1A is on the minus strand). VCF-style: chr19-13277096-G-C. GRCh37 (hg19) VCF-style: chr19-13387910-G-C.
Other names: c.3867C>G, p.Gly1289= (NM_000068.4, NM_023035.3); c.3858C>G, p.Gly1286= (NM_001127221.2, NM_001174080.2).
Identifiers: ClinVar variation 4534478 (VCV004534478.6).